The following is an entry in ClinVar:

NM_024642.5(GALNT12):c.949G>C (p.Val317Leu)

Gene: GALNT12 (polypeptide N-acetylgalactosaminyltransferase 12; plus strand). Cytogenetic location: 9q22.33.
Variant type: single nucleotide variant.
Coding change: c.949G>C on transcript NM_024642.5 (MANE Select); coding-DNA position 949, G replaced by C.
Protein change: p.Val317Leu; replaces valine 317 with leucine.
Molecular consequence: missense variant.
Genome position (GRCh38, 1-based): chr9:98,835,280, G>C. VCF-style: chr9-98835280-G-C. GRCh37 (hg19) VCF-style: chr9-101597562-G-C.
Other names: short protein forms V317L.
Identifiers: ClinVar variation 1767150 (VCV001767150.3), dbSNP rs954825101, ClinGen allele CA196826060.

ClinVar aggregate classification (germline): Uncertain significance. Review status: criteria provided, multiple submitters, no conflicts (2 of 4 stars). 2 submissions from 2 submitters: Uncertain significance (2). Last evaluated 2023-12-23.

Conditions:
Colorectal cancer, susceptibility to, 1. Also called: COLORECTAL ADENOMA AND CANCER, SUSCEPTIBILITY TO; COLORECTAL CANCER, SUSCEPTIBILITY TO, ON CHROMOSOME 9. Identifiers: MedGen C1837315, MONDO:0012132, OMIM 608812.

Allele frequency attached by ClinVar (database versions not stated): gnomAD exomes below 0.00001.
gnomAD v4.1: 1 of 1,614,002 alleles (0.000062%); highest among the groups gnomAD compares: African/African-American, 0.0013%; no homozygotes.

Submissions (2):

Ambry Genetics
Classification: Uncertain significance. Last evaluated: 2023-12-23. Review status: criteria provided, single submitter. Criteria: Ambry Variant Classification Scheme 2023. Collection method: clinical testing. Allele origin: germline.
Comment: The p.V317L variant (also known as c.949G>C), located in coding exon 5 of the GALNT12 gene, results from a G to C substitution at nucleotide position 949. The valine at codon 317 is replaced by leucine, an amino acid with highly similar properties. This amino acid position is conserved. In addition, the in silico prediction for this alteration is inconclusive. Since supporting evidence is limited at this time, the clinical significance of this alteration remains unclear.

Baylor Genetics
Classification: Uncertain significance for Colorectal cancer, susceptibility to, 1. Last evaluated: 2023-10-26. Review status: criteria provided, single submitter. Criteria: ACMG Guidelines, 2015. Collection method: clinical testing. Allele origin: unknown.